The following is an entry in ClinVar:

ClinVar aggregate classification (germline): Uncertain significance (1 of 4 stars; one submission).

Allele frequency attached by ClinVar (database versions not stated): gnomAD exomes below 0.00001; TOPMed below 0.00001.
gnomAD v4.1: 1 of 1,614,044 alleles (0.000062%); highest among the groups gnomAD compares: Admixed American, 0.0017%; no homozygotes.

Submission:

Labcorp Genetics (formerly Invitae), Labcorp
Classification: Uncertain significance. Last evaluated: 2022-01-14. Review status: criteria provided, single submitter. Criteria: Invitae Variant Classification Sherloc (09022015). Collection method: clinical testing. Allele origin: germline.
Comment: This sequence change replaces isoleucine, which is neutral and non-polar, with methionine, which is neutral and non-polar, at codon 746 of the MTOR protein (p.Ile746Met). This variant is not present in population databases (gnomAD no frequency). This variant has not been reported in the literature in individuals affected with MTOR-related conditions. ClinVar contains an entry for this variant (Variation ID: 946637). In summary, the available evidence is currently insufficient to determine the role of this variant in disease. Therefore, it has been classified as a Variant of Uncertain Significance. Advanced modeling of protein sequence and biophysical properties (such as structural, functional, and spatial information, amino acid conservation, physicochemical variation, residue mobility, and thermodynamic stability) performed at Invitae indicates that this missense variant is not expected to disrupt MTOR protein function.

NM_004958.4(MTOR):c.2238T>G (p.Ile746Met)

Gene: MTOR (mechanistic target of rapamycin kinase; minus strand). Cytogenetic location: 1p36.22.
Variant type: single nucleotide variant.
Coding change: c.2238T>G on transcript NM_004958.4 (MANE Select); coding-DNA position 2238, T replaced by G.
Protein change: p.Ile746Met; replaces isoleucine 746 with methionine.
Molecular consequence: missense variant.
Genome position (GRCh38, 1-based): chr1:11,234,236, A>C on the plus strand (T>G on the coding strand, the complement: MTOR is on the minus strand). VCF-style: chr1-11234236-A-C. GRCh37 (hg19) VCF-style: chr1-11294293-A-C.
Other names: short protein forms I746M.
Identifiers: ClinVar variation 946637 (VCV000946637.9), dbSNP rs1647119134, ClinGen allele CA338384971.